The following is an entry in ClinVar:

ClinVar aggregate classification (germline): Uncertain significance (1 of 4 stars; one submission).

Conditions:
Charcot-Marie-Tooth disease dominant intermediate B (CMTDIB). Also called: CHARCOT-MARIE-TOOTH NEUROPATHY, DOMINANT INTERMEDIATE B; Charcot-Marie-Tooth disease dominant intermediate 1; CMT DI1; Charcot-Marie-Tooth disease dominant intermediate I. Identifiers: Orphanet 100044, Orphanet 228179, MedGen C1847902, MONDO:0011674, OMIM 606482.

gnomAD v4.1: 1 of 1,613,400 alleles (0.000062%); highest among the groups gnomAD compares: South Asian, 0.0011%; no homozygotes.

Submission:

Labcorp Genetics (formerly Invitae), Labcorp
Classification: Uncertain significance for Charcot-Marie-Tooth disease dominant intermediate B. Last evaluated: 2019-07-01. Review status: criteria provided, single submitter. Criteria: Invitae Variant Classification Sherloc (09022015). Collection method: clinical testing. Allele origin: germline.
Comment: This sequence change replaces arginine with leucine at codon 271 of the DNM2 protein (p.Arg271Leu). The arginine residue is highly conserved and there is a moderate physicochemical difference between arginine and leucine. In summary, the available evidence is currently insufficient to determine the role of this variant in disease. Therefore, it has been classified as a Variant of Uncertain Significance. Algorithms developed to predict the effect of missense changes on protein structure and function are either unavailable or do not agree on the potential impact of this missense change (SIFT: "Tolerated"; PolyPhen-2: "Probably Damaging"; Align-GVGD: "Class C0"). This variant has not been reported in the literature in individuals with DNM2-related conditions. This variant is not present in population databases (ExAC no frequency).

NM_001005361.3(DNM2):c.812G>T (p.Arg271Leu)

Gene: DNM2 (dynamin 2; plus strand). Cytogenetic location: 19p13.2.
Variant type: single nucleotide variant.
Coding change: c.812G>T on transcript NM_001005361.3 (MANE Select); coding-DNA position 812, G replaced by T.
Protein change: p.Arg271Leu; replaces arginine 271 with leucine.
Molecular consequence: missense variant.
Genome position (GRCh38, 1-based): chr19:10,783,083, G>T. VCF-style: chr19-10783083-G-T. GRCh37 (hg19) VCF-style: chr19-10893759-G-T.
Other names: c.812G>T, p.Arg271Leu (NM_001005360.3, NM_001005362.3, NM_001190716.2 and 1 more transcripts); short protein forms R271L.
Identifiers: ClinVar variation 951941 (VCV000951941.9), dbSNP rs781546006, ClinGen allele CA404045354.
Genomic context (GRCh38, chr19:10,783,083, plus strand): 5'-CACTGGCAGCTGAGAGGAAGTTCTTCCTCTCCCACCCGGCCTACCGGCACATGGCCGACC[G>T]CATGGGCACGCCACATCTGCAGAAGACGCTGAATCAGGTACTGCAAGGGTTTGCACGTAG-3'
Protein context (NP_001005361.1, residues 261-281): SHPAYRHMAD[Arg271Leu]MGTPHLQKTL